The following is an entry in ClinVar:

NM_001379200.1(TBX1):c.1024G>A (p.Gly342Ser)

Gene: TBX1 (T-box transcription factor 1; plus strand). Cytogenetic location: 22q11.21.
Variant type: single nucleotide variant.
Coding change: c.1024G>A on transcript NM_001379200.1 (MANE Select); coding-DNA position 1024, G replaced by A.
Protein change: p.Gly342Ser; replaces glycine 342 with serine.
Molecular consequence: missense variant.
Genome position (GRCh38, 1-based): chr22:19,765,990, G>A. VCF-style: chr22-19765990-G-A. GRCh37 (hg19) VCF-style: chr22-19753513-G-A.
Other names: c.997G>A, p.Gly333Ser (NM_005992.1, NM_080646.2, NM_080647.1); short protein forms G342S, G333S.
Identifiers: ClinVar variation 4760432 (VCV004760432.1).
Genomic context (GRCh38, chr22:19,765,990, plus strand): 5'-CCGCTCATGAGCGCCTTCGCGCGCTCGCGGAACCCCGTGGCTTCCCCGACGCAGCCCAGC[G>A]GCACGGAGAAAGGTAGGGCCGGGGTCGTGGGATCCGGGTTCCGGCCCTGTGCGCGCTCTA-3'
Protein context (NP_001366129.1, residues 332-352): NPVASPTQPS[Gly342Ser]TEKDAAEARR

ClinVar aggregate classification (germline): Uncertain significance (1 of 4 stars; one submission).

Conditions:
DiGeorge syndrome. Also called: THIRD AND FOURTH PHARYNGEAL POUCH SYNDROME; Catch22. Identifiers: Orphanet 567, MedGen C0012236, MONDO:0008564, OMIM 188400.

gnomAD v4.1: 4 of 1,511,990 alleles (0.00026%); highest among the groups gnomAD compares: East Asian, 0.0054%; no homozygotes.

Submission:

Labcorp Genetics (formerly Invitae), Labcorp
Classification: Uncertain significance for DiGeorge syndrome. Last evaluated: 2025-04-17. Review status: criteria provided, single submitter. Criteria: Invitae Variant Classification Sherloc (09022015). Collection method: clinical testing. Allele origin: germline.
Comment: This sequence change replaces glycine, which is neutral and non-polar, with serine, which is neutral and polar, at codon 333 of the TBX1 protein (p.Gly333Ser). The frequency data for this variant in the population databases is considered unreliable, as metrics indicate poor data quality at this position in the gnomAD database. This variant has not been reported in the literature in individuals affected with TBX1-related conditions. Invitae Evidence Modeling of protein sequence and biophysical properties (such as structural, functional, and spatial information, amino acid conservation, physicochemical variation, residue mobility, and thermodynamic stability) indicates that this missense variant is not expected to disrupt TBX1 protein function with a negative predictive value of 80%. In summary, the available evidence is currently insufficient to determine the role of this variant in disease. Therefore, it has been classified as a Variant of Uncertain Significance.